The following is an entry in ClinVar:

ClinVar aggregate classification (germline): Uncertain significance. Review status: criteria provided, multiple submitters, no conflicts (2 of 4 stars). 3 submissions from 3 submitters: Uncertain significance (3). Last evaluated 2026-07-21.

Conditions:
Primary ciliary dyskinesia. Also called: Ciliary dyskinesia. Identifiers: Orphanet 244, MedGen C0008780, MONDO:0016575, HP:0012265.

Allele frequency attached by ClinVar (database versions not stated): ESP Exome Variant Server 0.00008; ExAC 0.00004; TOPMed 0.00011.
gnomAD v4.1: 32 of 1,588,450 alleles (0.002%); highest among the groups gnomAD compares: African/African-American, 0.035%; no homozygotes.

Submissions (3):

Ambry Genetics
Classification: Uncertain significance for Primary ciliary dyskinesia. Last evaluated: 2026-07-21. Review status: criteria provided, single submitter. Criteria: Ambry Variant Classification Scheme 2023. Collection method: clinical testing. Allele origin: germline.
Comment: The p.E851D variant (also known as c.2553G>T), located in coding exon 18 of the CCDC39 gene, results from a G to T substitution at nucleotide position 2553. The glutamic acid at codon 851 is replaced by aspartic acid, an amino acid with highly similar properties. This amino acid position is conserved. In addition, this alteration is predicted to be tolerated by in silico analysis. Based on the available evidence, the clinical significance of this variant remains unclear.

Labcorp Genetics (formerly Invitae), Labcorp
Classification: Uncertain significance for Primary ciliary dyskinesia. Last evaluated: 2024-10-30. Review status: criteria provided, single submitter. Criteria: Invitae Variant Classification Sherloc (09022015). Collection method: clinical testing. Allele origin: germline.
Comment: This sequence change replaces glutamic acid, which is acidic and polar, with aspartic acid, which is acidic and polar, at codon 851 of the CCDC39 protein (p.Glu851Asp). This variant is present in population databases (rs371713454, gnomAD 0.03%). This variant has not been reported in the literature in individuals affected with CCDC39-related conditions. ClinVar contains an entry for this variant (Variation ID: 855364). An algorithm developed to predict the effect of missense changes on protein structure and function outputs the following: PolyPhen-2: "Benign". The aspartic acid amino acid residue is found in multiple mammalian species, which suggests that this missense change does not adversely affect protein function. In summary, the available evidence is currently insufficient to determine the role of this variant in disease. Therefore, it has been classified as a Variant of Uncertain Significance.

Blueprint Genetics
Classification: Uncertain significance. Last evaluated: 2024-07-05. Review status: criteria provided, single submitter. Criteria: ACMG Guidelines, 2015. Collection method: clinical testing. Allele origin: germline.

NM_181426.2(CCDC39):c.2553G>T (p.Glu851Asp)

Genes: CCDC39 (coiled-coil domain 39 molecular ruler complex subunit; minus strand), TTC14 (tetratricopeptide repeat domain 14; plus strand). Cytogenetic location: 3q26.33.
Variant type: single nucleotide variant.
Coding change: c.2553G>T on transcript NM_181426.2 (MANE Select); coding-DNA position 2553, G replaced by T.
Protein change: p.Glu851Asp; replaces glutamic acid 851 with aspartic acid.
Molecular consequence: missense variant. On other transcripts: intron variant (1).
Genome position (GRCh38, 1-based): chr3:180,616,549, C>A on the plus strand (G>T on the coding strand, the complement: CCDC39 is on the minus strand). VCF-style: chr3-180616549-C-A. GRCh37 (hg19) VCF-style: chr3-180334337-C-A.
Other names: c.1775-831C>A (NM_001288582.2); short protein forms E851D.
Identifiers: ClinVar variation 855364 (VCV000855364.9), dbSNP rs371713454, ClinGen allele CA2715644.